The following is an entry in ClinVar:

NM_000368.5(TSC1):c.1619T>C (p.Leu540Pro)

Gene: TSC1 (TSC complex subunit 1; minus strand). Cytogenetic location: 9q34.13.
Variant type: single nucleotide variant.
Coding change: c.1619T>C on transcript NM_000368.5 (MANE Select); coding-DNA position 1619, T replaced by C.
Protein change: p.Leu540Pro; replaces leucine 540 with proline.
Molecular consequence: missense variant.
Genome position (GRCh38, 1-based): chr9:132,905,959, A>G on the plus strand (T>C on the coding strand, the complement: TSC1 is on the minus strand). VCF-style: chr9-132905959-A-G. GRCh37 (hg19) VCF-style: chr9-135781346-A-G.
Other names: c.1616T>C, p.Leu539Pro (NM_001162426.2); c.1466T>C, p.Leu489Pro (NM_001162427.2); c.1256T>C, p.Leu419Pro (NM_001362177.2); short protein forms L539P, L419P, L489P, L540P.
Identifiers: ClinVar variation 655148 (VCV000655148.8), dbSNP rs1588310300, ClinGen allele CA375364667.

ClinVar aggregate classification (germline): Uncertain significance (1 of 4 stars; one submission).

Conditions:
Tuberous sclerosis 1 (TSC1). Identifiers: Orphanet 805, MedGen C1854465, MONDO:0008612, OMIM 191100.

Submission:

Labcorp Genetics (formerly Invitae), Labcorp
Classification: Uncertain significance for Tuberous sclerosis 1. Last evaluated: 2018-11-14. Review status: criteria provided, single submitter. Criteria: Invitae Variant Classification Sherloc (09022015). Collection method: clinical testing. Allele origin: germline.
Comment: This sequence change replaces leucine with proline at codon 540 of the TSC1 protein (p.Leu540Pro). The leucine residue is moderately conserved and there is a moderate physicochemical difference between leucine and proline. This variant is not present in population databases (ExAC no frequency). In summary, the available evidence is currently insufficient to determine the role of this variant in disease. Therefore, it has been classified as a Variant of Uncertain Significance. Algorithms developed to predict the effect of missense changes on protein structure and function are either unavailable or do not agree on the potential impact of this missense change (SIFT: "Deleterious"; PolyPhen-2: "Benign"; Align-GVGD: "Class C0"). This variant has not been reported in the literature in individuals with TSC1-related disease.